The following is an entry in ClinVar:

ClinVar aggregate classification (germline): Uncertain significance (1 of 4 stars; one submission).

Conditions:
Autosomal dominant hypocalcemia 1 (HYPOC1). Also called: HYPOCALCEMIA, FAMILIAL. Identifiers: MedGen C3715128, MONDO:0011013, OMIM 601198.
Familial hypocalciuric hypercalcemia (FHH). Also called: Familial benign hypercalcemia. Identifiers: Orphanet 405, MedGen C1809471, MONDO:0018458.

Submission:

Labcorp Genetics (formerly Invitae), Labcorp
Classification: Uncertain significance for Familial hypocalciuric hypercalcemia; Autosomal dominant hypocalcemia 1. Last evaluated: 2020-12-02. Review status: criteria provided, single submitter. Criteria: Invitae Variant Classification Sherloc (09022015). Collection method: clinical testing. Allele origin: germline.
Comment: In summary, the available evidence is currently insufficient to determine the role of this variant in disease. Therefore, it has been classified as a Variant of Uncertain Significance. Algorithms developed to predict the effect of sequence changes on RNA splicing suggest that this variant may create or strengthen a splice site, but this prediction has not been confirmed by published transcriptional studies. This variant has not been reported in the literature in individuals with CASR-related conditions. This variant is not present in population databases (ExAC no frequency). This sequence change falls in intron 3 of the CASR gene. It does not directly change the encoded amino acid sequence of the CASR protein.

NM_000388.4(CASR):c.493-12G>A

Gene: CASR (calcium sensing receptor; plus strand). Cytogenetic location: 3q21.1.
Variant type: single nucleotide variant.
Coding change: c.493-12G>A on transcript NM_000388.4 (MANE Select); 12 bases into the intron before coding-DNA position 493, G replaced by A.
Molecular consequence: intron variant.
Genome position (GRCh38, 1-based): chr3:122,261,516, G>A. VCF-style: chr3-122261516-G-A. GRCh37 (hg19) VCF-style: chr3-121980363-G-A.
Other names: c.493-12G>A (NM_001178065.2).
Identifiers: ClinVar variation 1500251 (VCV001500251.8), dbSNP rs199514129, ClinGen allele CA2573136457.